The following is an entry in ClinVar:

ClinVar aggregate classification (germline): Uncertain significance. Review status: criteria provided, multiple submitters, no conflicts (2 of 4 stars). 2 submissions from 2 submitters: Uncertain significance (2). Last evaluated 2022-03-24.

Conditions:
Inborn genetic diseases. Identifiers: MedGen C0950123, MeSH D030342.

gnomAD v4.1: 3 of 1,606,624 alleles (0.00019%); highest among the groups gnomAD compares: East Asian, 0.0022%; no homozygotes.

Submissions (2):

Labcorp Genetics (formerly Invitae), Labcorp
Classification: Uncertain significance. Last evaluated: 2022-03-24. Review status: criteria provided, single submitter. Criteria: Invitae Variant Classification Sherloc (09022015). Collection method: clinical testing. Allele origin: germline.
Comment: In summary, the available evidence is currently insufficient to determine the role of this variant in disease. Therefore, it has been classified as a Variant of Uncertain Significance. Algorithms developed to predict the effect of missense changes on protein structure and function output the following: SIFT: "Tolerated"; PolyPhen-2: "Benign"; Align-GVGD: "Class C0". The serine amino acid residue is found in multiple mammalian species, which suggests that this missense change does not adversely affect protein function. This variant has not been reported in the literature in individuals affected with PIGB-related conditions. The frequency data for this variant in the population databases is considered unreliable, as metrics indicate poor data quality at this position in the gnomAD database. This sequence change replaces glycine, which is neutral and non-polar, with serine, which is neutral and polar, at codon 14 of the PIGB protein (p.Gly14Ser).

Ambry Genetics
Classification: Uncertain significance for Inborn genetic diseases. Last evaluated: 2021-08-02. Review status: criteria provided, single submitter. Criteria: Ambry Variant Classification Scheme 2023. Collection method: clinical testing. Allele origin: germline.

NM_004855.5(PIGB):c.40G>A (p.Gly14Ser)

Genes: PIGB (phosphatidylinositol glycan anchor biosynthesis class B; plus strand), LOC130057104 (ATAC-STARR-seq lymphoblastoid active region 9443; plus strand). Cytogenetic location: 15q21.3.
Variant type: single nucleotide variant.
Coding change: c.40G>A on transcript NM_004855.5 (MANE Select); coding-DNA position 40, G replaced by A.
Protein change: p.Gly14Ser; replaces glycine 14 with serine.
Molecular consequence: missense variant.
Genome position (GRCh38, 1-based): chr15:55,319,290, G>A. VCF-style: chr15-55319290-G-A. GRCh37 (hg19) VCF-style: chr15-55611488-G-A.
Other names: short protein forms G14S.
Identifiers: ClinVar variation 2116577 (VCV002116577.5), dbSNP rs1191317490, ClinGen allele CA392540874.